The following is an entry in ClinVar:

NM_001321571.2(CAMK2D):c.793G>A (p.Glu265Lys)

Gene: CAMK2D (calcium/calmodulin dependent protein kinase II delta; minus strand). Cytogenetic location: 4q26.
Variant type: single nucleotide variant.
Coding change: c.793G>A on transcript NM_001321571.2 (MANE Select); coding-DNA position 793, G replaced by A.
Protein change: p.Glu265Lys; replaces glutamic acid 265 with lysine.
Molecular consequence: missense variant.
Genome position (GRCh38, 1-based): chr4:113,515,095, C>T on the plus strand (G>A on the coding strand, the complement: CAMK2D is on the minus strand). VCF-style: chr4-113515095-C-T. GRCh37 (hg19) VCF-style: chr4-114436251-C-T.
Other names: c.793G>A, p.Glu265Lys (NM_001321579.2, NM_001321580.2, NM_001321582.2 and 33 more transcripts); c.676G>A, p.Glu226Lys (NM_001321581.2, NM_001399859.1, NM_001399860.1 and 2 more transcripts); c.205G>A, p.Glu69Lys (NM_001321585.2, NM_001321578.2, NM_001399865.1); c.406G>A, p.Glu136Lys (NM_001399863.1, NM_001399864.1); short protein forms E136K, E226K, E265K, E69K.
Identifiers: ClinVar variation 4686989 (VCV004686989.2).
Genomic context (GRCh38, chr4:113,515,095, plus strand): 5'-TTAGTTCTTGAAGTTTTGGAGAAGTTTTACTTACACAGATCCATGGGTGCTTCAGTGCCT[C>T]TGAGGCTGTGATGCGTTTGGCAGGGTTGATAGTAAGCATTTTATTGATGAGGTCTTTGGC-3'
Protein context (NP_001308500.1, residues 255-275): INPAKRITAS[Glu265Lys]ALKHPWICQR

ClinVar aggregate classification (germline): Uncertain significance (1 of 4 stars; one submission).

Submission:

GeneDx
Classification: Uncertain significance. Last evaluated: 2026-02-12. Review status: criteria provided, single submitter. Criteria: GeneDx Variant Classification Process June 2021. Collection method: clinical testing. Allele origin: germline.
Comment: Has not been previously published as pathogenic or benign to our knowledge; Not observed at significant frequency in large population cohorts (gnomAD); In silico analysis supports that this missense variant has a deleterious effect on protein structure/function